The following is an entry in ClinVar:

ClinVar aggregate classification (germline): Uncertain significance (1 of 4 stars; one submission).

Conditions:
Amyotrophic lateral sclerosis type 21. Also called: VOCAL CORD AND PHARYNGEAL DYSFUNCTION WITH DISTAL MYOPATHY; MYOPATHY, DISTAL, 2. Identifiers: Orphanet 600, Orphanet 803, MedGen C3807521, MONDO:0011632, OMIM 606070.

Submission:

Labcorp Genetics (formerly Invitae), Labcorp
Classification: Uncertain significance for Amyotrophic lateral sclerosis type 21. Last evaluated: 2022-02-04. Review status: criteria provided, single submitter. Criteria: Invitae Variant Classification Sherloc (09022015). Collection method: clinical testing. Allele origin: germline.
Comment: In summary, the available evidence is currently insufficient to determine the role of this variant in disease. Therefore, it has been classified as a Variant of Uncertain Significance. Algorithms developed to predict the effect of missense changes on protein structure and function (SIFT, PolyPhen-2, Align-GVGD) all suggest that this variant is likely to be tolerated. This variant has not been reported in the literature in individuals affected with MATR3-related conditions. This variant is not present in population databases (gnomAD no frequency). This sequence change replaces aspartic acid, which is acidic and polar, with alanine, which is neutral and non-polar, at codon 638 of the MATR3 protein (p.Asp638Ala).

NM_018834.6(MATR3):c.1913A>C (p.Asp638Ala)

Genes: MATR3 (matrin 3; plus strand), LOC126807526 (CDK7 strongly-dependent group 2 enhancer GRCh37_chr5:138657767-138658966; plus strand). Cytogenetic location: 5q31.2.
Variant type: single nucleotide variant.
Coding change: c.1913A>C on transcript NM_018834.6 (MANE Select); coding-DNA position 1913, A replaced by C.
Protein change: p.Asp638Ala; replaces aspartic acid 638 with alanine.
Molecular consequence: missense variant.
Genome position (GRCh38, 1-based): chr5:139,322,732, A>C. VCF-style: chr5-139322732-A-C. GRCh37 (hg19) VCF-style: chr5-138658421-A-C.
Other names: c.1913A>C, p.Asp638Ala (NM_001194954.2, NM_001194955.2, NM_199189.3); c.1049A>C, p.Asp350Ala (NM_001194956.2); c.899A>C, p.Asp300Ala (NM_001282278.2); short protein forms D638A, D350A, D300A.
Identifiers: ClinVar variation 1503590 (VCV001503590.8), dbSNP rs2152010206, ClinGen allele CA361143842.